The following is an entry in ClinVar:

ClinVar aggregate classification (germline): Uncertain significance (0 of 4 stars; one submission).

Conditions:
GOLGA7B-related condition.

Submission:

PreventionGenetics, part of Exact Sciences
Classification: Uncertain significance for GOLGA7B-related condition. Last evaluated: 2024-05-23. Review status: no assertion criteria provided. Collection method: clinical testing. Allele origin: germline.
Comment: The GOLGA7B c.166_168delGTG variant is predicted to result in an in-frame deletion (p.Val56del). To our knowledge, this variant has not been reported in the literature or in a large population database, indicating this variant is rare. At this time, the clinical significance of this variant is uncertain due to the absence of conclusive functional and genetic evidence.

NM_001010917.3(GOLGA7B):c.166_168del (p.Val56del)

Gene: GOLGA7B (golgin A7 family member B; plus strand). Cytogenetic location: 10q24.2.
Variant type: Deletion.
Coding change: c.166_168del on transcript NM_001010917.3 (MANE Select); coding-DNA positions 166 to 168, 3 bases deleted (GTG; older notation c.166_168delGTG).
Protein change: p.Val56del; deletes valine 56.
Molecular consequence: inframe deletion.
Genome position (GRCh38, 1-based): chr10:97,863,957-97,863,959, GTG deleted. VCF-style (leftmost placement, unchanged base first): chr10-97863956-TGTG-T. GRCh37 (hg19) VCF-style: chr10-99623713-TGTG-T.
Other names: short protein forms V56del.
Identifiers: ClinVar variation 3345886 (VCV003345886.1).